The following is an entry in ClinVar:

ClinVar aggregate classification (germline): Pathogenic. Review status: criteria provided, multiple submitters, no conflicts (2 of 4 stars). 2 submissions from 2 submitters: Pathogenic (2). Last evaluated 2023-08-23.

Conditions:
CHARGE syndrome (CHARGE). Also called: Hittner Hirsch Kreh syndrome; CHARGE ASSOCIATION--COLOBOMA, HEART ANOMALY, CHOANAL ATRESIA, RETARDATION, GENITAL AND EAR ANOMALIES; Coloboma, heart anomaly, choanal atresia, retardation, genital and ear anomalies; CHARGE association; Hall-Hittner syndrome. Identifiers: Orphanet 138, MedGen C0265354, MONDO:0008965.

Submissions (2):

Institute of Medical Genetics and Applied Genomics, University Hospital Tübingen
Classification: Pathogenic for CHD7-related CHARGE syndrome. Last evaluated: 2023-08-23. Review status: criteria provided, single submitter. Criteria: ACMG Guidelines, 2015. Collection method: clinical testing. Allele origin: de novo. Inheritance: Autosomal dominant inheritance. Affected: yes.

Labcorp Genetics (formerly Invitae), Labcorp
Classification: Pathogenic for CHARGE syndrome. Last evaluated: 2020-06-30. Review status: criteria provided, single submitter. Criteria: Invitae Variant Classification Sherloc (09022015). Collection method: clinical testing. Allele origin: germline.
Comment: This variant has been observed in individual(s) with CHARGE syndrome (PMID: 22461308, Invitae). Algorithms developed to predict the effect of sequence changes on RNA splicing suggest that this variant may disrupt the consensus splice site, but this prediction has not been confirmed by published transcriptional studies. Donor and acceptor splice site variants typically lead to a loss of protein function (PMID: 16199547), and loss-of-function variants in CHD7 are known to be pathogenic (PMID: 22461308, 25077900). This variant is not present in population databases (ExAC no frequency). This sequence change affects a donor splice site in intron 11 of the CHD7 gene. It is expected to disrupt RNA splicing and likely results in an absent or disrupted protein product. For these reasons, this variant has been classified as Pathogenic.

Literature cited by the submitters: PubMed 22461308 (cited by Labcorp Genetics (formerly Invitae), Labcorp); PubMed 16199547 (cited by Labcorp Genetics (formerly Invitae), Labcorp); PubMed 25077900 (cited by Labcorp Genetics (formerly Invitae), Labcorp).

NM_017780.4(CHD7):c.2957+2T>C

Gene: CHD7 (chromodomain helicase DNA binding protein 7; plus strand). Cytogenetic location: 8q12.2.
Variant type: single nucleotide variant.
Coding change: c.2957+2T>C on transcript NM_017780.4 (MANE Select); the canonical splice donor site of the intron after coding-DNA position 2957, T replaced by C.
Molecular consequence: splice donor variant. On other transcripts: intron variant (1).
Genome position (GRCh38, 1-based): chr8:60,822,147, T>C. VCF-style: chr8-60822147-T-C. GRCh37 (hg19) VCF-style: chr8-61734706-T-C.
Other names: c.1717-40082T>C (NM_001316690.1).
Identifiers: ClinVar variation 1072857 (VCV001072857.9), dbSNP rs2150749475, ClinGen allele CA371308825.
Genomic context (GRCh38, chr8:60,822,147, plus strand): 5'-AAACTCAGGGAATACCAGTTGGAGGGAGTAAACTGGCTACTTTTCAATTGGTACAACATG[T>C]ATGTAAAACAAGTTTTTCTTCACTTTTAAATATATCTGTAGTTCCTTTCCTTTAGTTATT-3'